The following is an entry in ClinVar:

ClinVar aggregate classification (germline): Uncertain significance (0 of 4 stars; one submission).

Conditions:
SEMA3G-related disorder. Also called: SEMA3G-related condition.

gnomAD v4.1: 27 of 1,613,984 alleles (0.0017%); highest among the groups gnomAD compares: East Asian, 0.013%; no homozygotes.

Submission:

PreventionGenetics, part of Exact Sciences
Classification: Uncertain significance for SEMA3G-related condition. Last evaluated: 2024-02-22. Review status: no assertion criteria provided. Collection method: clinical testing. Allele origin: germline.
Comment: The SEMA3G c.2236C>T variant is predicted to result in the amino acid substitution p.Arg746Trp. To our knowledge, this variant has not been reported in the literature. This variant is reported in 0.015% of alleles in individuals of East Asian descent in gnomAD. At this time, the clinical significance of this variant is uncertain due to the absence of conclusive functional and genetic evidence.

NM_020163.3(SEMA3G):c.2236C>T (p.Arg746Trp)

Gene: SEMA3G (semaphorin 3G; minus strand). Cytogenetic location: 3p21.1.
Variant type: single nucleotide variant.
Coding change: c.2236C>T on transcript NM_020163.3 (MANE Select); coding-DNA position 2236, C replaced by T.
Protein change: p.Arg746Trp; replaces arginine 746 with tryptophan.
Molecular consequence: missense variant.
Genome position (GRCh38, 1-based): chr3:52,435,716, G>A on the plus strand (C>T on the coding strand, the complement: SEMA3G is on the minus strand). VCF-style: chr3-52435716-G-A. GRCh37 (hg19) VCF-style: chr3-52469732-G-A.
Other names: short protein forms R746W.
Identifiers: ClinVar variation 3358556 (VCV003358556.1).